The following is an entry in ClinVar:

NM_199420.4(POLQ):c.5521A>G (p.Ile1841Val)

Gene: POLQ (DNA polymerase theta; minus strand). Cytogenetic location: 3q13.33.
Variant type: single nucleotide variant.
Coding change: c.5521A>G on transcript NM_199420.4 (MANE Select); coding-DNA position 5521, A replaced by G.
Protein change: p.Ile1841Val; replaces isoleucine 1841 with valine.
Molecular consequence: missense variant.
Genome position (GRCh38, 1-based): chr3:121,487,410, T>C on the plus strand (A>G on the coding strand, the complement: POLQ is on the minus strand). VCF-style: chr3-121487410-T-C. GRCh37 (hg19) VCF-style: chr3-121206257-T-C.
Other names: short protein forms I1841V.
Identifiers: ClinVar variation 2448947 (VCV002448947.2), dbSNP rs774565525, ClinGen allele CA2562709.
Genomic context (GRCh38, chr3:121,487,410, plus strand): 5'-TTCTAATCTTTTCACAAGCCAGTGAGATGGAAAATCGCTTTTTGCACCGCCACTCCTTAA[T>C]GAATGTTTGGAAAAGATTTTGGTCACTTGCTACATCAATTATGGACAAACTTTCTGAACT-3'
Protein context (NP_955452.3, residues 1831-1851): ASDQNLFQTF[Ile1841Val]KEWRCKKRFS

ClinVar aggregate classification (germline): Uncertain significance (1 of 4 stars; one submission).

Allele frequency attached by ClinVar (database versions not stated): ExAC 0.00001.
gnomAD v4.1: 3 of 1,614,110 alleles (0.00019%); highest among the groups gnomAD compares: East Asian, 0.0022%; no homozygotes.

Submission:

Ambry Genetics
Classification: Uncertain significance. Last evaluated: 2022-12-19. Review status: criteria provided, single submitter. Criteria: Ambry Variant Classification Scheme 2023. Collection method: clinical testing. Allele origin: germline.
Comment: The p.I1841V variant (also known as c.5521A>G), located in coding exon 16 of the POLQ gene, results from an A to G substitution at nucleotide position 5521. The isoleucine at codon 1841 is replaced by valine, an amino acid with highly similar properties. This amino acid position is conserved. In addition, this alteration is predicted to be tolerated by in silico analysis. Since supporting evidence is limited at this time, the clinical significance of this alteration remains unclear.